The following is an entry in ClinVar:

ClinVar aggregate classification (germline): Uncertain significance (1 of 4 stars; one submission).

Conditions:
Developmental delay, hypotonia, musculoskeletal defects, and behavioral abnormalities. Identifiers: MedGen C5562012, MONDO:0859202, OMIM 619595.
Floating-Harbor syndrome (FLHS). Also called: SRCAP-Related Floating-Harbor Syndrome; Short stature with delayed bone age, expressive language delay, a triangular face with a prominent nose and deep-set eyes; Pelletier-Leisti syndrome. Identifiers: Orphanet 2044, MedGen C0729582, MONDO:0007621, OMIM 136140.

Submission:

Juno Genomics, Hangzhou Juno Genomics, Inc
Classification: Uncertain significance for Developmental delay, hypotonia, musculoskeletal defects, and behavioral abnormalities; Floating-Harbor syndrome. Review status: criteria provided, single submitter. Criteria: ACMG Guidelines, 2015. Collection method: clinical testing. Allele origin: germline.
Comment: Missense variant in a gene that has a low rate of benign missense variation.;Multiple lines of computational evidence support a deleterious effect on the gene or gene product.;Absent from controls (or at extremely low frequency if recessive) in Genome Aggregation Database.

NM_006662.3(SRCAP):c.493G>A (p.Val165Met)

Gene: SRCAP (Snf2 related CREBBP activator protein; plus strand). Cytogenetic location: 16p11.2.
Variant type: single nucleotide variant.
Coding change: c.493G>A on transcript NM_006662.3 (MANE Select); coding-DNA position 493, G replaced by A.
Protein change: p.Val165Met; replaces valine 165 with methionine.
Molecular consequence: missense variant.
Genome position (GRCh38, 1-based): chr16:30,707,572, G>A. VCF-style: chr16-30707572-G-A. GRCh37 (hg19) VCF-style: chr16-30718893-G-A.
Other names: short protein forms V165M.
Identifiers: ClinVar variation 5005569 (VCV005005569.2).
Genomic context (GRCh38, chr16:30,707,572, plus strand): 5'-TGCCTTTGGGTGGGGAAGTCTGGCTTTGAGTGTTTTCACCCTGGGTCTTCATTCCCACAG[G>A]TGGTGCGCATGGTGATCCGGCACCACGAGGAGCAGCGGCAGAAAGAGGAACGGGCCCGGA-3'
Protein context (NP_006653.2, residues 155-175): RRWKRGVARK[Val165Met]VRMVIRHHEE